The following is an entry in ClinVar:

NM_013275.6(ANKRD11):c.5123C>T (p.Ser1708Leu)

Gene: ANKRD11 (ankyrin repeat domain 11; minus strand). Cytogenetic location: 16q24.3.
Variant type: single nucleotide variant.
Coding change: c.5123C>T on transcript NM_013275.6 (MANE Select); coding-DNA position 5123, C replaced by T.
Protein change: p.Ser1708Leu; replaces serine 1708 with leucine.
Molecular consequence: missense variant.
Genome position (GRCh38, 1-based): chr16:89,281,419, G>A on the plus strand (C>T on the coding strand, the complement: ANKRD11 is on the minus strand). VCF-style: chr16-89281419-G-A. GRCh37 (hg19) VCF-style: chr16-89347827-G-A.
Other names: c.5123C>T, p.Ser1708Leu (NM_001256182.2, NM_001256183.2); short protein forms S1708L.
Identifiers: ClinVar variation 1745495 (VCV001745495.5), dbSNP rs371204323, ClinGen allele CA286514740.
Genomic context (GRCh38, chr16:89,281,419, plus strand): 5'-CTGCAGGACGGGGTCCTGGGCGTGTGCATCACCTCCTCGTAGCTGGGGCAGGATAGCACC[G>A]ACGTAGGGGTGGGCACGCCAGTGGGCCGGCTCTGGTCAGGCCTGGGGGACGCAGGCAGGA-3'
Protein context (NP_037407.4, residues 1698-1718): SRPTGVPTPT[Ser1708Leu]VLSCPSYEEV

ClinVar aggregate classification (germline): Uncertain significance. Review status: criteria provided, multiple submitters, no conflicts (2 of 4 stars). 2 submissions from 2 submitters: Uncertain significance (2). Last evaluated 2025-03-03.

Conditions:
KBG syndrome (KBGS). Also called: ANKRD11-Related KBG Syndrome. Identifiers: Orphanet 2332, MedGen C0220687, MONDO:0007846, OMIM 148050.
Inborn genetic diseases. Identifiers: MedGen C0950123, MeSH D030342.

Allele frequency attached by ClinVar (database versions not stated): gnomAD 0.00001; TOPMed 0.00001.
gnomAD v4.1: 10 of 1,611,688 alleles (0.00062%); highest among the groups gnomAD compares: African/African-American, 0.0013%; no homozygotes.

Submissions (2):

Labcorp Genetics (formerly Invitae), Labcorp
Classification: Uncertain significance for KBG syndrome. Last evaluated: 2025-03-03. Review status: criteria provided, single submitter. Criteria: Invitae Variant Classification Sherloc (09022015). Collection method: clinical testing. Allele origin: germline.
Comment: This sequence change replaces serine, which is neutral and polar, with leucine, which is neutral and non-polar, at codon 1708 of the ANKRD11 protein (p.Ser1708Leu). This variant is present in population databases (rs371204323, gnomAD 0.005%). This variant has not been reported in the literature in individuals affected with ANKRD11-related conditions. ClinVar contains an entry for this variant (Variation ID: 1745495). Invitae Evidence Modeling of protein sequence and biophysical properties (such as structural, functional, and spatial information, amino acid conservation, physicochemical variation, residue mobility, and thermodynamic stability) indicates that this missense variant is not expected to disrupt ANKRD11 protein function with a negative predictive value of 95%. In summary, the available evidence is currently insufficient to determine the role of this variant in disease. Therefore, it has been classified as a Variant of Uncertain Significance.

Ambry Genetics
Classification: Uncertain significance for Inborn genetic diseases. Last evaluated: 2020-09-23. Review status: criteria provided, single submitter. Criteria: Ambry Variant Classification Scheme 2023. Collection method: clinical testing. Allele origin: germline.
Comment: The c.5123C>T (p.S1708L) alteration is located in exon 9 (coding exon 7) of the ANKRD11 gene. This alteration results from a C to T substitution at nucleotide position 5123, causing the serine (S) at amino acid position 1708 to be replaced by a leucine (L). Based on data from the Genome Aggregation Database (gnomAD) database, the ANKRD11 c.5123C>T alteration was observed in 0.0004% (1/249374) of total alleles studied. This amino acid position is well conserved in available vertebrate species. The p.S1708L alteration is predicted to be tolerated by in silico analysis. Based on insufficient or conflicting evidence, the clinical significance of this alteration remains unclear.